The following is an entry in ClinVar:

ClinVar aggregate classification (germline): Uncertain significance. Review status: criteria provided, multiple submitters, no conflicts (2 of 4 stars). 2 submissions from 2 submitters: Uncertain significance (2). Last evaluated 2023-08-01.

Allele frequency attached by ClinVar (database versions not stated): gnomAD exomes 0.00003; gnomAD 0.00006 and 0.00007; TOPMed 0.00006; 1000 Genomes Project 0.00020; 1000 Genomes Project 30x 0.00031.
gnomAD v4.1: 83 of 1,550,484 alleles (0.0054%); highest among the groups gnomAD compares: Middle Eastern, 0.05%; no homozygotes.

Submissions (2):

Revvity Omics, Revvity
Classification: Uncertain significance. Last evaluated: 2023-08-01. Review status: criteria provided, single submitter. Criteria: ACMG Guidelines, 2015. Collection method: clinical testing. Allele origin: germline.

ARUP Laboratories, Molecular Genetics and Genomics, ARUP Laboratories
Classification: Uncertain significance. Last evaluated: 2020-07-30. Review status: criteria provided, single submitter. Criteria: ARUP Molecular Germline Variant Investigation Process. Collection method: clinical testing. Allele origin: germline.
Comment: The PIEZO1 c.6070C>T; p.Arg2024Cys variant (rs549757408), to our knowledge, is not reported in the medical literature or gene-specific databases. This variant is found on only four chromosomes (4/155092 alleles) in the Genome Aggregation Database. The arginine at codon 2024 is highly conserved, but computational analyses (SIFT: damaging, PolyPhen-2: benign) predict conflicting effects of this variant on protein structure/function. However, due to limited information, the clinical significance of the p.Arg2024Cys variant is uncertain at this time.

NM_001142864.4(PIEZO1):c.6070C>T (p.Arg2024Cys)

Gene: PIEZO1 (piezo type mechanosensitive ion channel component 1 (Er blood group); minus strand). Cytogenetic location: 16q24.3.
Variant type: single nucleotide variant.
Coding change: c.6070C>T on transcript NM_001142864.4 (MANE Select); coding-DNA position 6070, C replaced by T.
Protein change: p.Arg2024Cys; replaces arginine 2024 with cysteine.
Molecular consequence: missense variant.
Genome position (GRCh38, 1-based): chr16:88,720,163, G>A on the plus strand (C>T on the coding strand, the complement: PIEZO1 is on the minus strand). VCF-style: chr16-88720163-G-A. GRCh37 (hg19) VCF-style: chr16-88786571-G-A.
Other names: short protein forms R2024C.
Identifiers: ClinVar variation 994381 (VCV000994381.10), dbSNP rs549757408, ClinGen allele CA286409345.